The following is an entry in ClinVar:

ClinVar aggregate classification (germline): Uncertain significance (1 of 4 stars; one submission).

Submission:

Labcorp Genetics (formerly Invitae), Labcorp
Classification: Uncertain significance. Last evaluated: 2021-12-20. Review status: criteria provided, single submitter. Criteria: Invitae Variant Classification Sherloc (09022015). Collection method: clinical testing. Allele origin: germline.
Comment: A copy number gain of the genomic region encompassing the full coding sequence of the SMARCB1 gene has been identified. The boundaries of this event are unknown as they extend beyond the assayed region for this gene and therefore may encompass additional genes. As the precise location of this event is unknown, it may be in tandem or it may be located elsewhere in the genome. This variant has not been reported in the literature in individuals affected with SMARCB1-related conditions. Experimental studies and prediction algorithms are not available or were not evaluated, and the functional significance of this variant is currently unknown. In summary, the available evidence is currently insufficient to determine the role of this variant in disease. Therefore, it has been classified as a Variant of Uncertain Significance.

NC_000022.10:g.(?_24129357)_(24836024_?)dup

Genes: DERL3 (derlin 3; minus strand), GGT5 (gamma-glutamyltransferase 5; minus strand), GSTT1 (glutathione S-transferase theta 1; minus strand), GSTT2 (glutathione S-transferase theta 2 (gene/pseudogene); plus strand), GSTT2B (glutathione S-transferase theta 2B; minus strand) and 9 more. Cytogenetic location: 22q11.23.
Variant type: Duplication.
Identifiers: ClinVar variation 830423 (VCV000830423.3).